The following is an entry in ClinVar:

NM_000122.2(ERCC3):c.122C>T (p.Ala41Val)

Gene: ERCC3 (ERCC excision repair 3, TFIIH core complex helicase subunit; minus strand). Cytogenetic location: 2q14.3.
Variant type: single nucleotide variant.
Coding change: c.122C>T on transcript NM_000122.2 (MANE Select); coding-DNA position 122, C replaced by T.
Protein change: p.Ala41Val; replaces alanine 41 with valine.
Molecular consequence: missense variant. On other transcripts: 5 prime UTR variant (2).
Genome position (GRCh38, 1-based): chr2:127,293,625, G>A on the plus strand (C>T on the coding strand, the complement: ERCC3 is on the minus strand). VCF-style: chr2-127293625-G-A. GRCh37 (hg19) VCF-style: chr2-128051201-G-A.
Other names: c.-71C>T (NM_001303416.2, NM_001303418.2); short protein forms A41V.
Identifiers: ClinVar variation 1692156 (VCV001692156.1), dbSNP rs1239018301, ClinGen allele CA348392220.
Genomic context (GRCh38, chr2:127,293,625, plus strand): 5'-TAGTCCTTGGCTCCATATTCATCCACTTTGGTGCCTGACTCATCCACCTGCTTCCCCGCC[G>A]CCGAGGGAACCGCTTCCTGAGGGTCGTTCCCCGGGGCGTCCTCTTCATCATCCTCTTCAT-3'
Protein context (NP_000113.1, residues 31-51): GNDPQEAVPS[Ala41Val]AGKQVDESGT

ClinVar aggregate classification (germline): Uncertain significance (1 of 4 stars; one submission).

Conditions:
Xeroderma pigmentosum (XP). Identifiers: Orphanet 910, MedGen C0043346, MONDO:0019600.

Allele frequency attached by ClinVar (database versions not stated): gnomAD 0.00001; TOPMed 0.00001.
gnomAD v4.1: 2 of 1,613,988 alleles (0.00012%); highest among the groups gnomAD compares: East Asian, 0.0022%; no homozygotes.

Submission:

Sema4
Classification: Uncertain significance for Xeroderma pigmentosum. Last evaluated: 2021-11-12. Review status: criteria provided, single submitter. Criteria: Sema4 Curation Guidelines. Collection method: curation. Allele origin: germline.
Comment: The ERCC3 c.122C>T (p.A41V) variant has not been reported in the literature to our knowledge. It was not observed in the large and broad cohorts of the Genome Aggregation Database. The variant has not been reported in ClinVar. Functional studies have not been performed, and in silico predictions of the variant's effect on protein function are inconclusive. The evidence is insufficient to meet ACMG/AMP criteria for classifying the variant as benign or pathogenic. Thus, the clinical significance of this variant is currently uncertain.